The following is an entry in ClinVar:

ClinVar aggregate classification (germline): Uncertain significance. Review status: criteria provided, multiple submitters, no conflicts (2 of 4 stars). 2 submissions from 2 submitters: Uncertain significance (2). Last evaluated 2025-06-12.

Conditions:
Inborn genetic diseases. Identifiers: MedGen C0950123, MeSH D030342.

Allele frequency attached by ClinVar (database versions not stated): ExAC 0.00003; TOPMed 0.00001; gnomAD 0.00002; gnomAD exomes 0.00001.
gnomAD v4.1: 13 of 1,206,844 alleles (0.0011%); highest among the groups gnomAD compares: East Asian, 0.003%; no homozygotes.

Submissions (2):

Labcorp Genetics (formerly Invitae), Labcorp
Classification: Uncertain significance. Last evaluated: 2025-06-12. Review status: criteria provided, single submitter. Criteria: Invitae Variant Classification Sherloc (09022015). Collection method: clinical testing. Allele origin: germline.
Comment: This sequence change replaces arginine, which is basic and polar, with tryptophan, which is neutral and slightly polar, at codon 626 of the CLCN5 protein (p.Arg626Trp). This variant is present in population databases (rs782120242, gnomAD 0.007%). This variant has not been reported in the literature in individuals affected with CLCN5-related conditions. ClinVar contains an entry for this variant (Variation ID: 2797100). Invitae Evidence Modeling of protein sequence and biophysical properties (such as structural, functional, and spatial information, amino acid conservation, physicochemical variation, residue mobility, and thermodynamic stability) indicates that this missense variant is not expected to disrupt CLCN5 protein function with a negative predictive value of 80%. In summary, the available evidence is currently insufficient to determine the role of this variant in disease. Therefore, it has been classified as a Variant of Uncertain Significance.

Ambry Genetics
Classification: Uncertain significance for Inborn genetic diseases. Last evaluated: 2025-03-26. Review status: criteria provided, single submitter. Criteria: Ambry Variant Classification Scheme 2023. Collection method: clinical testing. Allele origin: germline.

NM_001127898.4(CLCN5):c.2086C>T (p.Arg696Trp)

Genes: CLCN5 (Cl-/H+ antiporter 5; plus strand), LOC126863258 (BRD4-independent group 4 enhancer GRCh37_chrX:49854497-49855696; plus strand). Cytogenetic location: Xp11.23.
Variant type: single nucleotide variant.
Coding change: c.2086C>T on transcript NM_001127898.4 (MANE Select); coding-DNA position 2086, C replaced by T.
Protein change: p.Arg696Trp; replaces arginine 696 with tryptophan.
Molecular consequence: missense variant.
Genome position (GRCh38, 1-based): chrX:50,090,457, C>T. VCF-style: chrX-50090457-C-T. GRCh37 (hg19) VCF-style: chrX-49855114-C-T.
Other names: c.1876C>T, p.Arg626Trp (NM_000084.5); c.2086C>T, p.Arg696Trp (NM_001127899.4); c.1936C>T, p.Arg646Trp (NM_001282163.2); c.1876C>T (NM_000084.2); short protein forms R646W, R696W, R626W.
Identifiers: ClinVar variation 2797100 (VCV002797100.4), dbSNP rs782120242, ClinGen allele CA10413953.
Genomic context (GRCh38, chrX:50,090,457, plus strand): 5'-GAAGATGTAGAGACCATAATCAGTGAAACCACTTACAGTGGCTTCCCAGTGGTGGTATCC[C>T]GGGAGTCCCAAAGACTTGTGGGCTTTGTCCTCCGAAGAGATCTCATTATTTCAATTGGTA-3'
Protein context (NP_001121370.1, residues 686-706): TYSGFPVVVS[Arg696Trp]ESQRLVGFVL